The following is an entry in ClinVar:

NM_020944.3(GBA2):c.1703G>A (p.Arg568Lys)

Gene: GBA2 (glucosylceramidase beta 2; minus strand). Cytogenetic location: 9p13.3.
Variant type: single nucleotide variant.
Coding change: c.1703G>A on transcript NM_020944.3 (MANE Select); coding-DNA position 1703, G replaced by A.
Protein change: p.Arg568Lys; replaces arginine 568 with lysine.
Molecular consequence: missense variant.
Genome position (GRCh38, 1-based): chr9:35,739,094, C>T on the plus strand (G>A on the coding strand, the complement: GBA2 is on the minus strand). VCF-style: chr9-35739094-C-T. GRCh37 (hg19) VCF-style: chr9-35739091-C-T.
Other names: c.1703G>A, p.Arg568Lys (NM_001330660.2); short protein forms R568K.
Identifiers: ClinVar variation 1022657 (VCV001022657.8), dbSNP rs1451500934, ClinGen allele CA373410854.

ClinVar aggregate classification (germline): Uncertain significance (1 of 4 stars; one submission).

Conditions:
Spastic paraplegia. Identifiers: MedGen C0037772, HP:0001258.

Allele frequency attached by ClinVar (database versions not stated): gnomAD exomes below 0.00001; TOPMed below 0.00001.
gnomAD v4.1: 3 of 1,592,510 alleles (0.00019%); highest among the groups gnomAD compares: Non-Finnish European, 0.00026%; no homozygotes.

Submission:

Labcorp Genetics (formerly Invitae), Labcorp
Classification: Uncertain significance for Spastic paraplegia. Last evaluated: 2020-09-15. Review status: criteria provided, single submitter. Criteria: Invitae Variant Classification Sherloc (09022015). Collection method: clinical testing. Allele origin: germline.
Comment: In summary, the available evidence is currently insufficient to determine the role of this variant in disease. Therefore, it has been classified as a Variant of Uncertain Significance. Algorithms developed to predict the effect of missense changes on protein structure and function output the following: SIFT: "Tolerated"; PolyPhen-2: "Benign"; Align-GVGD: "Class C0". The lysine amino acid residue is found in multiple mammalian species, suggesting that this missense change does not adversely affect protein function. These predictions have not been confirmed by published functional studies and their clinical significance is uncertain. This variant has not been reported in the literature in individuals with GBA2-related conditions. This variant is not present in population databases (ExAC no frequency). This sequence change replaces arginine with lysine at codon 568 of the GBA2 protein (p.Arg568Lys). The arginine residue is weakly conserved and there is a small physicochemical difference between arginine and lysine.